The following is an entry in ClinVar:

NM_004082.5(DCTN1):c.1471A>G (p.Met491Val)

Gene: DCTN1 (dynactin subunit 1; minus strand). Cytogenetic location: 2p13.1.
Variant type: single nucleotide variant.
Coding change: c.1471A>G on transcript NM_004082.5 (MANE Select); coding-DNA position 1471, A replaced by G.
Protein change: p.Met491Val; replaces methionine 491 with valine.
Molecular consequence: missense variant. On other transcripts: non-coding transcript variant (1).
Genome position (GRCh38, 1-based): chr2:74,369,413, T>C on the plus strand (A>G on the coding strand, the complement: DCTN1 is on the minus strand). VCF-style: chr2-74369413-T-C. GRCh37 (hg19) VCF-style: chr2-74596540-T-C.
Other names: c.1402A>G, p.Met468Val (NM_001378992.1); c.1069A>G, p.Met357Val (NM_023019.4, NM_001135041.3); c.1411A>G, p.Met471Val (NM_001135040.3); c.1360A>G, p.Met454Val (NM_001190836.2); c.1450A>G, p.Met484Val (NM_001190837.2); c.1420A>G, p.Met474Val (NM_001378991.1); short protein forms M357V, M454V, M468V, M471V, M474V, M484V, M491V.
Identifiers: ClinVar variation 1690328 (VCV001690328.3), dbSNP rs755324462, ClinGen allele CA1722140.

ClinVar aggregate classification (germline): Uncertain significance. Review status: criteria provided, single submitter (1 of 4 stars). 2 submissions from 2 submitters: Uncertain significance (1). 1 of the submissions does not count toward it. Last evaluated 2025-03-26.

Conditions:
Perry syndrome. Also called: PARKINSONISM WITH ALVEOLAR HYPOVENTILATION AND MENTAL DEPRESSION. Identifiers: Orphanet 178509, MedGen C1868594, MONDO:0008201, OMIM 168605.
Amyotrophic lateral sclerosis type 1 (ALS1). Also called: AMYOTROPHIC LATERAL SCLEROSIS 1, FAMILIAL. Identifiers: Orphanet 803, MedGen C1862939, MONDO:0007103, OMIM 105400.
Neuronopathy, distal hereditary motor, type 7B. Also called: Distal Hereditary Motor Neuronopathy Type 7B (dHMN7B); HMN VIIB; LOWER MOTOR NEURON DISEASE, DYNACTIN TYPE; NEURONOPATHY, DISTAL HEREDITARY MOTOR, AUTOSOMAL DOMINANT 14; NEURONOPATHY, DISTAL HEREDITARY MOTOR, HARDING TYPE VIIB; NEUROPATHY, DISTAL HEREDITARY MOTOR, HARDING TYPE VIIB. Identifiers: Orphanet 139589, MedGen C1843315, MONDO:0011879, OMIM 607641.

Allele frequency attached by ClinVar (database versions not stated): gnomAD exomes below 0.00001 and 0.00001; ExAC 0.00001; gnomAD 0.00002.
gnomAD v4.1: 10 of 1,614,060 alleles (0.00062%); highest among the groups gnomAD compares: Middle Eastern, 0.016%; no homozygotes.

Submissions (2):

Labcorp Genetics (formerly Invitae), Labcorp
Classification: Uncertain significance for Amyotrophic lateral sclerosis type 1; Neuronopathy, distal hereditary motor, type 7B; Perry syndrome. Last evaluated: 2025-03-26. Review status: criteria provided, single submitter. Criteria: Invitae Variant Classification Sherloc (09022015). Collection method: clinical testing. Allele origin: germline.
Comment: This sequence change replaces methionine, which is neutral and non-polar, with valine, which is neutral and non-polar, at codon 491 of the DCTN1 protein (p.Met491Val). This variant is present in population databases (rs755324462, gnomAD 0.003%). This missense change has been observed in individual(s) with hereditary motor and sensory neuropathy (PMID: 28333917). ClinVar contains an entry for this variant (Variation ID: 1690328). Invitae Evidence Modeling of protein sequence and biophysical properties (such as structural, functional, and spatial information, amino acid conservation, physicochemical variation, residue mobility, and thermodynamic stability) indicates that this missense variant is not expected to disrupt DCTN1 protein function with a negative predictive value of 95%. In summary, the available evidence is currently insufficient to determine the role of this variant in disease. Therefore, it has been classified as a Variant of Uncertain Significance.

Joint Genome Diagnostic Labs from Nijmegen and Maastricht, Radboudumc and MUMC+
Classification: Uncertain significance. Review status: no assertion criteria provided. Collection method: clinical testing. Allele origin: germline. Affected: yes. Not counted in ClinVar's aggregate classification.

Literature cited by the submitters: PubMed 28333917 (cited by Labcorp Genetics (formerly Invitae), Labcorp).